The following is an entry in ClinVar:

NM_022436.3(ABCG5):c.904+1G>A

Genes: ABCG5 (ATP binding cassette subfamily G member 5; minus strand), DYNC2LI1 (dynein cytoplasmic 2 light intermediate chain 1; plus strand). Cytogenetic location: 2p21.
Variant type: single nucleotide variant.
Coding change: c.904+1G>A on transcript NM_022436.3 (MANE Select); the canonical splice donor site of the intron after coding-DNA position 904, G replaced by A.
Molecular consequence: splice donor variant. On other transcripts: intron variant (2).
Genome position (GRCh38, 1-based): chr2:43,824,888, C>T on the plus strand (G>A on the coding strand, the complement: ABCG5 is on the minus strand). VCF-style: chr2-43824888-C-T. GRCh37 (hg19) VCF-style: chr2-44052027-C-T.
Other names: c.*16-2498C>T (NM_001348913.2, NM_001348912.2).
Identifiers: ClinVar variation 3414998 (VCV003414998.7).

ClinVar aggregate classification (germline): Pathogenic. Review status: criteria provided, multiple submitters, no conflicts (2 of 4 stars). 5 submissions from 5 submitters: Pathogenic (5). Last evaluated 2026-04-09.

Conditions:
Cardiovascular phenotype. Identifiers: MedGen CN230736.
Sitosterolemia 2. Identifiers: MedGen C5231453, MONDO:0020748, OMIM 618666.
ABCG5-related disorder. Also called: ABCG5-related condition.
Sitosterolemia (STSL). Also called: PHYTOSTEROLEMIA. Identifiers: Orphanet 2882, MedGen C0342907, MONDO:0008863.

gnomAD v4.1: 8 of 1,613,770 alleles (0.0005%); highest among the groups gnomAD compares: East Asian, 0.018%; no homozygotes.

Submissions (5):

PreventionGenetics, part of Exact Sciences
Classification: Pathogenic for ABCG5-related condition. Last evaluated: 2026-04-09. Review status: criteria provided, single submitter. Criteria: ACMG Guidelines, 2015. Collection method: clinical testing. Allele origin: germline.
Comment: The ABCG5 c.904+1G>A variant is predicted to disrupt the GT donor site and interfere with normal splicing. This variant was reported in the homozygous and compound heterozygous state in individuals with sitosterolemia (Su et al. 2019. PubMed ID: 30782472; Sun et al. 2020. PubMed ID: 32166861; Zhang et al. 2022. PubMed ID: 36229885). This variant is reported in 0.033% of alleles in individuals of East Asian descent in gnomAD. Variants that disrupt the consensus splice donor site in ABCG5 are expected to be pathogenic. This variant is interpreted as pathogenic.

Department of Cardiology, Mackay Memorial Hospital
Classification: Pathogenic for Sitosterolemia. Last evaluated: 2026-03-05. Review status: criteria provided, single submitter. Criteria: ACMG Guidelines, 2015. Collection method: clinical testing. Allele origin: germline. Affected: yes.
Comment: The ABCG5 c.904+1G>A (rs753502791; Accession: VCV003414998.4) variant affects the canonical splice donor site of intron 7 and is expected to disrupt normal pre-mRNA splicing, potentially resulting in an abnormal transcript subject to nonsense-mediated decay or a dysfunctional protein product. Loss of function is an established pathogenic mechanism for ABCG5-related sitosterolemia. This variant is very rare in population databases, with an overall allele frequency of approximately 0.002% and a highest reported frequency of approximately 0.03% among East Asian individuals. It has been identified in patients with sitosterolemia in the homozygous state and in combination with other ABCG5 variants, including at least one confirmed trans configuration. The affected nucleotide is highly conserved, and computational splice-site analyses consistently predict disruption of the native donor site. Taken together, the predicted loss-of-function effect, rarity in the general population, and repeated observations in affected individuals support classification of ABCG5 c.904+1G>A as pathogenic.

Ambry Genetics
Classification: Pathogenic for Cardiovascular phenotype. Last evaluated: 2025-05-16. Review status: criteria provided, single submitter. Criteria: Ambry Variant Classification Scheme 2023. Collection method: clinical testing. Allele origin: germline.
Comment: The c.904+1G>A intronic variant results from a G to A substitution one nucleotides after coding exon 7 of the ABCG5 gene. Alterations that disrupt the canonical splice site are expected to cause aberrant splicing, resulting in an abnormal protein or a transcript that is subject to nonsense-mediated mRNA decay. Based on data from gnomAD, the A allele has an overall frequency of 0.002% (6/251410) total alleles studied. The highest observed frequency was 0.033% (6/18392) of East Asian alleles. This variant has been identified in the homozygous state and/or in conjunction with other ABCG5 variant(s) in individual(s) with features consistent with sitosterolemia; in at least one instance, the variants were identified in trans (Su, 2019; Sun, 2020; Ba, 2021; Zhang, 2022; Xia, 2022). This nucleotide position is highly conserved in available vertebrate species. In silico splice site analysis predicts that this alteration will weaken the native splice donor site. Based on the available evidence, this alteration is classified as pathogenic.

Labcorp Genetics (formerly Invitae), Labcorp
Classification: Pathogenic for Sitosterolemia. Last evaluated: 2024-08-08. Review status: criteria provided, single submitter. Criteria: Invitae Variant Classification Sherloc (09022015). Collection method: clinical testing. Allele origin: germline.
Comment: This sequence change affects a donor splice site in intron 7 of the ABCG5 gene. It is expected to disrupt RNA splicing. Variants that disrupt the donor or acceptor splice site typically lead to a loss of protein function (PMID: 16199547), and loss-of-function variants in ABCG5 are known to be pathogenic (PMID: 11138003, 25665839). This variant is present in population databases (rs753502791, gnomAD 0.03%). Disruption of this splice site has been observed in individual(s) with sitosterolemia (PMID: 30782472, 34969652). Algorithms developed to predict the effect of sequence changes on RNA splicing suggest that this variant may disrupt the consensus splice site. For these reasons, this variant has been classified as Pathogenic.

Juno Genomics, Hangzhou Juno Genomics, Inc
Classification: Pathogenic for Sitosterolemia 2. Review status: criteria provided, single submitter. Criteria: ACMG Guidelines, 2015. Collection method: clinical testing. Allele origin: germline. Affected: yes.
Comment: Absent from controls (or at extremely low frequency if recessive) in Genome Aggregation Database.;Null variant in a gene where loss of function (LOF) is a known mechanism of disease.;For recessive disorders, detected in trans with a pathogenic variant.;Patient's phenotype or family history is highly specific for a disease with a single genetic etiology.;Co-segregation with disease in multiple affected family members.

Literature cited by the submitters: PubMed 30782472 (cited by 3 submitters); PubMed 32166861 (cited by Department of Cardiology, Mackay Memorial Hospital and Ambry Genetics); PubMed 34178886 (cited by Department of Cardiology, Mackay Memorial Hospital and Ambry Genetics); PubMed 34969652 (cited by 3 submitters); PubMed 35042526 (cited by Department of Cardiology, Mackay Memorial Hospital and Ambry Genetics); PubMed 36229885 (cited by Department of Cardiology, Mackay Memorial Hospital and Ambry Genetics); PubMed 16199547 (cited by Labcorp Genetics (formerly Invitae), Labcorp); PubMed 11138003 (cited by Labcorp Genetics (formerly Invitae), Labcorp); PubMed 25665839 (cited by Labcorp Genetics (formerly Invitae), Labcorp).